The following is an entry in ClinVar:

NM_004446.3(EPRS1):c.1655T>C (p.Ile552Thr)

Gene: EPRS1 (glutamyl-prolyl-tRNA synthetase 1; minus strand). Cytogenetic location: 1q41.
Variant type: single nucleotide variant.
Coding change: c.1655T>C on transcript NM_004446.3 (MANE Select); coding-DNA position 1655, T replaced by C.
Protein change: p.Ile552Thr; replaces isoleucine 552 with threonine.
Molecular consequence: missense variant.
Genome position (GRCh38, 1-based): chr1:220,007,289, A>G on the plus strand (T>C on the coding strand, the complement: EPRS1 is on the minus strand). VCF-style: chr1-220007289-A-G. GRCh37 (hg19) VCF-style: chr1-220180631-A-G.
Other names: short protein forms I552T.
Identifiers: ClinVar variation 1949796 (VCV001949796.2), dbSNP rs775311374, ClinGen allele CA1400211.

ClinVar aggregate classification (germline): Uncertain significance (1 of 4 stars; one submission).

Allele frequency attached by ClinVar (database versions not stated): TOPMed below 0.00001; ExAC 0.00001; gnomAD 0.00001; gnomAD exomes 0.00001.
gnomAD v4.1: 18 of 1,613,868 alleles (0.0011%); highest among the groups gnomAD compares: Admixed American, 0.012%; no homozygotes.

Submission:

Labcorp Genetics (formerly Invitae), Labcorp
Classification: Uncertain significance. Last evaluated: 2022-03-24. Review status: criteria provided, single submitter. Criteria: Invitae Variant Classification Sherloc (09022015). Collection method: clinical testing. Allele origin: germline.
Comment: This sequence change replaces isoleucine, which is neutral and non-polar, with threonine, which is neutral and polar, at codon 552 of the EPRS protein (p.Ile552Thr). This variant is present in population databases (rs775311374, gnomAD 0.02%). This variant has not been reported in the literature in individuals affected with EPRS-related conditions. Algorithms developed to predict the effect of missense changes on protein structure and function are either unavailable or do not agree on the potential impact of this missense change (SIFT: "Deleterious"; PolyPhen-2: "Possibly Damaging"; Align-GVGD: "Class C0"). In summary, the available evidence is currently insufficient to determine the role of this variant in disease. Therefore, it has been classified as a Variant of Uncertain Significance.